The following is an entry in ClinVar:

ClinVar aggregate classification (germline): Benign/Likely benign. Review status: criteria provided, multiple submitters, no conflicts (2 of 4 stars). 7 submissions from 6 submitters: Benign (2); Likely benign (4). 1 of the submissions does not count toward it. Last evaluated 2025-10-24.

Conditions:
Hereditary cancer-predisposing syndrome. Also called: Tumor predisposition; Hereditary neoplastic syndrome; Neoplastic Syndromes, Hereditary; Hereditary Cancer Syndrome. Identifiers: Orphanet 140162, MedGen C0027672, MeSH D009386, MONDO:0015356.
Holoprosencephaly 7 (HPE7). Identifiers: Orphanet 2162, MedGen C1835820, MONDO:0012562, OMIM 610828.
Gorlin syndrome. Also called: Nevoid Basal Cell Carcinoma Syndrome; Basal cell nevus syndrome. Identifiers: Orphanet 377, MedGen C0004779, MONDO:0007187.
PTCH1-related disorder. Also called: PTCH1-related disorders; PTCH1-related condition.

Allele frequency attached by ClinVar (database versions not stated): gnomAD exomes 0.00002 and 0.00005; gnomAD 0.00003; TOPMed 0.00004; ExAC 0.00005.
gnomAD v4.1: 35 of 1,613,910 alleles (0.0022%); highest among the groups gnomAD compares: Admixed American, 0.015%; no homozygotes.

Submissions (7):

Labcorp Genetics (formerly Invitae), Labcorp
Classification: Likely benign for Gorlin syndrome. Last evaluated: 2025-10-24. Review status: criteria provided, single submitter. Criteria: Invitae Variant Classification Sherloc (09022015). Collection method: clinical testing. Allele origin: germline.

Quest Diagnostics Nichols Institute San Juan Capistrano
Classification: Likely benign. Last evaluated: 2023-03-22. Review status: criteria provided, single submitter. Criteria: Quest Diagnostics criteria. Collection method: clinical testing. Allele origin: unknown.

Ambry Genetics
Classification: Benign for Hereditary cancer-predisposing syndrome. Last evaluated: 2022-04-07. Review status: criteria provided, single submitter. Criteria: Ambry Variant Classification Scheme 2023. Collection method: clinical testing. Allele origin: germline.

Sema4
Classification: Likely benign for Hereditary cancer-predisposing syndrome. Last evaluated: 2022-01-06. Review status: criteria provided, single submitter. Criteria: Sema4 Curation Guidelines. Collection method: curation. Allele origin: germline.

Illumina Laboratory Services, Illumina
Classification: Likely benign for Holoprosencephaly 7. Last evaluated: 2018-01-13. Review status: criteria provided, single submitter. Criteria: ICSL Variant Classification Criteria 13 December 2019. Collection method: clinical testing. Allele origin: germline.
Comment: This variant was observed in the ICSL laboratory as part of a predisposition screen in an ostensibly healthy population. It had not been previously curated by ICSL or reported in the Human Gene Mutation Database (HGMD: prior to June 1st, 2018), and was therefore a candidate for classification through an automated scoring system. Utilizing variant allele frequency, disease prevalence and penetrance estimates, and inheritance mode, an automated score was calculated to assess if this variant is too frequent to cause the disease. Based on the score and internal cut-off values, a variant classified as likely benign is not then subjected to further curation. The score for this variant resulted in a classification of likely benign for this disease.

Illumina Laboratory Services, Illumina
Classification: Benign for Basal cell nevus syndrome 1. Last evaluated: 2018-01-13. Review status: criteria provided, single submitter. Criteria: ICSL Variant Classification Criteria 13 December 2019. Collection method: clinical testing. Allele origin: germline.
Comment: This variant was observed in the ICSL laboratory as part of a predisposition screen in an ostensibly healthy population. It had not been previously curated by ICSL or reported in the Human Gene Mutation Database (HGMD: prior to June 1st, 2018), and was therefore a candidate for classification through an automated scoring system. Utilizing variant allele frequency, disease prevalence and penetrance estimates, and inheritance mode, an automated score was calculated to assess if this variant is too frequent to cause the disease. Based on the score and internal cut-off values, a variant classified as benign is not then subjected to further curation. The score for this variant resulted in a classification of benign for this disease.

PreventionGenetics, part of Exact Sciences
Classification: Likely benign for PTCH1-related condition. Last evaluated: 2022-11-21. Review status: no assertion criteria provided. Collection method: clinical testing. Allele origin: germline. Not counted in ClinVar's aggregate classification.
Comment: This variant is classified as likely benign based on ACMG/AMP sequence variant interpretation guidelines (Richards et al. 2015 PMID: 25741868, with internal and published modifications).

NM_000264.5(PTCH1):c.1348-4G>A

Gene: PTCH1 (patched 1; minus strand). Cytogenetic location: 9q22.32.
Variant type: single nucleotide variant.
Coding change: c.1348-4G>A on transcript NM_000264.5 (MANE Select); 4 bases into the intron before coding-DNA position 1348, G replaced by A.
Molecular consequence: intron variant.
Genome position (GRCh38, 1-based): chr9:95,477,706, C>T on the plus strand (G>A on the coding strand, the complement: PTCH1 is on the minus strand). VCF-style: chr9-95477706-C-T. GRCh37 (hg19) VCF-style: chr9-98239988-C-T.
Other names: c.1345-4G>A (NM_001083603.3); c.1150-4G>A (NM_001083602.3); c.1347+349G>A (NM_001354918.2); c.895-4G>A (NM_001083605.3, NM_001083604.3, NM_001083606.3 and 1 more transcripts); c.1348-4G>A (NM_000264.4).
Identifiers: ClinVar variation 220126 (VCV000220126.23), dbSNP rs772826555, ClinGen allele CA349433.